The following is an entry in ClinVar:

NM_004655.4(AXIN2):c.1593del (p.Ile531fs)

Gene: AXIN2 (axin 2; minus strand). Cytogenetic location: 17q24.1.
Variant type: Deletion.
Coding change: c.1593del on transcript NM_004655.4 (MANE Select); coding-DNA position 1593, one base deleted (C; older notation c.1593delC).
Protein change: p.Ile531fs; shifts the reading frame from isoleucine 531.
Molecular consequence: frameshift variant.
Genome position (GRCh38, 1-based): chr17:65,537,443, G deleted on the plus strand (C on the coding strand, the reverse complement: AXIN2 is on the minus strand). VCF-style (leftmost placement, unchanged base first): chr17-65537442-CG-C. GRCh37 (hg19) VCF-style: chr17-63533560-CG-C.
Other names: c.1593del, p.Ile531fs (NM_001363813.1); short protein forms I531fs.
Identifiers: ClinVar variation 2956404 (VCV002956404.4), dbSNP rs2509412566, ClinGen allele CA2740093903.
Genomic context (GRCh38, chr17:65,537,442, plus strand): 5'-AGCAGTAATACTCGCTGCCCCCAGGGCAGAAGCAGTGCACCCGCTGCGTGGCCTCCGCCT[CG>C]ATCTCCTCCTTGGTCTTGGGGACGGCATGGTGGTGGATGTAGTGGTGGTGGACATGCTTC-3'

ClinVar aggregate classification (germline): Pathogenic. Review status: criteria provided, multiple submitters, no conflicts (2 of 4 stars). 2 submissions from 2 submitters: Pathogenic (2). Last evaluated 2024-05-16.

Conditions:
Oligodontia-cancer predisposition syndrome. Also called: TOOTH AGENESIS-COLORECTAL CANCER SYNDROME. Identifiers: Orphanet 300576, MedGen C1837750, MONDO:0012075, OMIM 608615. Disease mechanism: loss of function.

Submissions (2):

Myriad Genetics, Inc.
Classification: Pathogenic for Oligodontia-cancer predisposition syndrome. Last evaluated: 2024-05-16. Review status: criteria provided, single submitter. Criteria: Myriad Autosomal Dominant, Autosomal Recessive and X-Linked Classification Criteria (2023). Collection method: clinical testing. Allele origin: unknown.
Comment: This variant is considered pathogenic. This variant creates a frameshift predicted to result in premature protein truncation.

Labcorp Genetics (formerly Invitae), Labcorp
Classification: Pathogenic for Oligodontia-cancer predisposition syndrome. Last evaluated: 2023-12-08. Review status: criteria provided, single submitter. Criteria: Invitae Variant Classification Sherloc (09022015). Collection method: clinical testing. Allele origin: germline.
Comment: This sequence change creates a premature translational stop signal (p.Ile531Metfs*158) in the AXIN2 gene. It is expected to result in an absent or disrupted protein product. Loss-of-function variants in AXIN2 are known to be pathogenic (PMID: 15042511, 21416598). This variant is not present in population databases (gnomAD no frequency). This variant has not been reported in the literature in individuals affected with AXIN2-related conditions. For these reasons, this variant has been classified as Pathogenic.

Literature cited by the submitters: PubMed 15042511 (cited by Labcorp Genetics (formerly Invitae), Labcorp); PubMed 21416598 (cited by Labcorp Genetics (formerly Invitae), Labcorp).